The following is an entry in ClinVar:

NM_001130987.2(DYSF):c.5938A>T (p.Lys1980Ter)

Gene: DYSF (dysferlin; plus strand). Cytogenetic location: 2p13.2.
Variant type: single nucleotide variant.
Coding change: c.5938A>T on transcript NM_001130987.2 (MANE Select); coding-DNA position 5938, A replaced by T.
Protein change: p.Lys1980Ter; replaces lysine 1980 with a stop codon.
Molecular consequence: nonsense.
Genome position (GRCh38, 1-based): chr2:71,679,110, A>T. VCF-style: chr2-71679110-A-T. GRCh37 (hg19) VCF-style: chr2-71906240-A-T.
Other names: c.5824A>T, p.Lys1942Ter (NM_001130455.2); c.5779A>T, p.Lys1927Ter (NM_001130976.2); c.5842A>T, p.Lys1948Ter (NM_001130977.2); c.5884A>T, p.Lys1962Ter (NM_001130978.2); c.5914A>T, p.Lys1972Ter (NM_001130979.2); c.5872A>T, p.Lys1958Ter (NM_001130980.2); c.5935A>T, p.Lys1979Ter (NM_001130981.2); c.5917A>T, p.Lys1973Ter (NM_001130982.2); and 5 more; short protein forms K1941*, K1980*, K1927*, K1948*, K1958*, K1962*, K1972*, K1963*.
Identifiers: ClinVar variation 501036 (VCV000501036.11), dbSNP rs1553420738, ClinGen allele CA347226323.

ClinVar aggregate classification (germline): Pathogenic. Review status: criteria provided, multiple submitters, no conflicts (2 of 4 stars). 2 submissions from 2 submitters: Pathogenic (2). Last evaluated 2025-12-15.

Conditions:
Neuromuscular disease caused by qualitative or quantitative defects of dysferlin. Also called: Dysferlinopathy; Qualitative or quantitative defects of dysferlin. Identifiers: Orphanet 207073, MedGen C2931687, MONDO:0016145.

Allele frequency attached by ClinVar (database versions not stated): gnomAD exomes below 0.00001.
gnomAD v4.1: 1 of 1,613,972 alleles (0.000062%); highest among the groups gnomAD compares: Admixed American, 0.0017%; no homozygotes.

Submissions (2):

Labcorp Genetics (formerly Invitae), Labcorp
Classification: Pathogenic for Neuromuscular disease caused by qualitative or quantitative defects of dysferlin. Last evaluated: 2025-12-15. Review status: criteria provided, single submitter. Criteria: Invitae Variant Classification Sherloc (09022015). Collection method: clinical testing. Allele origin: germline.
Comment: This sequence change creates a premature translational stop signal (p.Lys1941*) in the DYSF gene. It is expected to result in an absent or disrupted protein product. Loss-of-function variants in DYSF are known to be pathogenic (PMID: 17698709, 20301480). This variant is not present in population databases (gnomAD no frequency). This variant has not been reported in the literature in individuals affected with DYSF-related conditions. ClinVar contains an entry for this variant (Variation ID: 501036). For these reasons, this variant has been classified as Pathogenic.

Eurofins Ntd Llc (ga)
Classification: Pathogenic. Last evaluated: 2017-03-28. Review status: criteria provided, single submitter. Criteria: EGL Classification Definitions 2015. Collection method: clinical testing. Allele origin: germline. Observed: 1 variant allele, 1 heterozygote.

Literature cited by the submitters: PubMed 17698709 (cited by Labcorp Genetics (formerly Invitae), Labcorp); PubMed 20301480 (cited by Labcorp Genetics (formerly Invitae), Labcorp).